The following is an entry in ClinVar:

ClinVar aggregate classification (germline): Pathogenic. Review status: criteria provided, multiple submitters, no conflicts (2 of 4 stars). 3 submissions from 3 submitters: Pathogenic (3). Last evaluated 2025-08-20.

Conditions:
MASA syndrome. Also called: CLASPED THUMB AND MENTAL RETARDATION; GAREIS-MASON SYNDROME; MENTAL RETARDATION, APHASIA, SHUFFLING GAIT, AND ADDUCTED THUMBS; MASA Syndrome (Mental Retardation, Adducted Thumbs, Shuffling Gait, and Aphasia); MASA (Mental Retardation, Adducted Thumbs, Shuffling Gait, Aphasia) Syndrome, Including SPG1 (X-Linked Complicated Hereditary Spastic Paraplegia Type 1); ADDUCTED THUMB WITH MENTAL RETARDATION. Identifiers: Orphanet 2466, MedGen C0795953, MONDO:0010559, OMIM 303350.
Spastic paraplegia. Identifiers: MedGen C0037772, HP:0001258.

Allele frequency attached by ClinVar (database versions not stated): gnomAD 0.00001; TOPMed 0.00001.
gnomAD v4.1: 1 of 1,209,547 alleles (0.000083%); highest among the groups gnomAD compares: Non-Finnish European, 0.00011%; no homozygotes.

Submissions (3):

Clinical Genetics Laboratory, Region Ostergotland
Classification: Pathogenic for MASA syndrome. Last evaluated: 2025-08-20. Review status: criteria provided, single submitter. Criteria: ACMG Guidelines, 2015. Collection method: clinical testing. Allele origin: germline. Affected: yes.
Comment: The NM_001278116.2:c.3496C>T variant in the L1CAM gene is predicted to lead to loss of function. The variant is previously described in association with MASA-syndrome. The following ACMG/AMP criteria were applied in classifying this variant: PM2, PVS1, PS4_supp, PS3_supp

Labcorp Genetics (formerly Invitae), Labcorp
Classification: Pathogenic for Spastic paraplegia. Last evaluated: 2023-07-06. Review status: criteria provided, single submitter. Criteria: Invitae Variant Classification Sherloc (09022015). Collection method: clinical testing. Allele origin: germline.
Comment: This premature translational stop signal has been observed in individual(s) with L1CAM-related conditions (PMID: 10797421, 15904436). ClinVar contains an entry for this variant (Variation ID: 647732). For these reasons, this variant has been classified as Pathogenic. This variant is not present in population databases (gnomAD no frequency). This sequence change creates a premature translational stop signal (p.Arg1166*) in the L1CAM gene. It is expected to result in an absent or disrupted protein product. Loss-of-function variants in L1CAM are known to be pathogenic (PMID: 19846429).

GeneDx
Classification: Pathogenic. Last evaluated: 2019-11-10. Review status: criteria provided, single submitter. Criteria: GeneDx Variant Classification Process June 2021. Collection method: clinical testing. Allele origin: germline. Affected: yes.
Comment: Nonsense variant predicted to result in protein truncation or nonsense mediated decay in a gene for which loss-of-function is a known mechanism of disease; Not observed in large population cohorts (Lek et al., 2016); This variant is associated with the following publications: (PMID: 10797421, 11438988, 25525159, 15904436)

Literature cited by the submitters: PubMed 15904436 (cited by Clinical Genetics Laboratory, Region Ostergotland and Labcorp Genetics (formerly Invitae), Labcorp); PubMed 10797421 (cited by Clinical Genetics Laboratory, Region Ostergotland and Labcorp Genetics (formerly Invitae), Labcorp); PubMed 27001749 (cited by Clinical Genetics Laboratory, Region Ostergotland); PubMed 19846429 (cited by Labcorp Genetics (formerly Invitae), Labcorp).

NM_001278116.2(L1CAM):c.3496C>T (p.Arg1166Ter)

Gene: L1CAM (L1 cell adhesion molecule; minus strand). Cytogenetic location: Xq28.
Variant type: single nucleotide variant.
Coding change: c.3496C>T on transcript NM_001278116.2 (MANE Select); coding-DNA position 3496, C replaced by T.
Protein change: p.Arg1166Ter; replaces arginine 1166 with a stop codon.
Molecular consequence: nonsense.
Genome position (GRCh38, 1-based): chrX:153,863,511, G>A on the plus strand (C>T on the coding strand, the complement: L1CAM is on the minus strand). VCF-style: chrX-153863511-G-A. GRCh37 (hg19) VCF-style: chrX-153128966-G-A.
Other names: c.3496C>T, p.Arg1166Ter (NM_000425.5, NM_024003.3); c.3481C>T, p.Arg1161Ter (NM_001143963.2); short protein forms R1161*, R1166*.
Identifiers: ClinVar variation 647732 (VCV000647732.13), dbSNP rs1418885000, ClinGen allele CA415108666.